The following is an entry in ClinVar:

NM_003743.5(NCOA1):c.3673A>T (p.Met1225Leu)

Gene: NCOA1 (nuclear receptor coactivator 1; plus strand). Cytogenetic location: 2p23.3.
Variant type: single nucleotide variant.
Coding change: c.3673A>T on transcript NM_003743.5 (MANE Select); coding-DNA position 3673, A replaced by T.
Protein change: p.Met1225Leu; replaces methionine 1225 with leucine.
Molecular consequence: missense variant.
Genome position (GRCh38, 1-based): chr2:24,742,153, A>T. VCF-style: chr2-24742153-A-T. GRCh37 (hg19) VCF-style: chr2-24965022-A-T.
Other names: c.3673A>T, p.Met1225Leu (NM_001362950.1, NM_001362952.1, NM_001362954.1 and 3 more transcripts); short protein forms M1225L.
Identifiers: ClinVar variation 3356371 (VCV003356371.1).

ClinVar aggregate classification (germline): Uncertain significance (0 of 4 stars; one submission).

Conditions:
NCOA1-related disorder. Also called: NCOA1-related condition.

Submission:

PreventionGenetics, part of Exact Sciences
Classification: Uncertain significance for NCOA1-related condition. Last evaluated: 2024-09-10. Review status: no assertion criteria provided. Collection method: clinical testing. Allele origin: germline.
Comment: The NCOA1 c.3673A>T variant is predicted to result in the amino acid substitution p.Met1225Leu. To our knowledge, this variant has not been reported in the literature. This variant is reported in 1 out of ~250,200 alleles in gnomAD. At this time, the clinical significance of this variant is uncertain due to the absence of conclusive functional and genetic evidence.